The following is an entry in ClinVar:

NM_004655.4(AXIN2):c.1882C>T (p.Arg628Trp)

Gene: AXIN2 (axin 2; minus strand). Cytogenetic location: 17q24.1.
Variant type: single nucleotide variant.
Coding change: c.1882C>T on transcript NM_004655.4 (MANE Select); coding-DNA position 1882, C replaced by T.
Protein change: p.Arg628Trp; replaces arginine 628 with tryptophan.
Molecular consequence: missense variant. On other transcripts: intron variant (1).
Genome position (GRCh38, 1-based): chr17:65,536,894, G>A on the plus strand (C>T on the coding strand, the complement: AXIN2 is on the minus strand). VCF-style: chr17-65536894-G-A. GRCh37 (hg19) VCF-style: chr17-63533012-G-A.
Other names: p.R628W:CGG>TGG; c.1713-341C>T (NM_001363813.1); c.1882C>T (LRG_296t1); short protein forms R628W.
Identifiers: ClinVar variation 182008 (VCV000182008.51), dbSNP rs200201811, ClinGen allele CA298392.

ClinVar aggregate classification (germline): Conflicting classifications of pathogenicity. Review status: criteria provided, conflicting classifications (1 of 4 stars). 11 submissions from 11 submitters: Uncertain significance (4); Benign (1); Likely benign (5). 1 of the submissions does not count toward it. Last evaluated 2026-01-31.

Conditions:
AXIN2-related disorder.
Hereditary cancer-predisposing syndrome. Also called: Tumor predisposition; Neoplastic Syndromes, Hereditary; Hereditary Cancer Syndrome; Hereditary neoplastic syndrome. Identifiers: Orphanet 140162, MedGen C0027672, MeSH D009386, MONDO:0015356.
Oligodontia-cancer predisposition syndrome. Also called: TOOTH AGENESIS-COLORECTAL CANCER SYNDROME. Identifiers: Orphanet 300576, MedGen C1837750, MONDO:0012075, OMIM 608615. Disease mechanism: loss of function.

Allele frequency attached by ClinVar (database versions not stated): TOPMed 0.00007; gnomAD 0.00010 and 0.00011; ESP Exome Variant Server 0.00015; gnomAD exomes 0.00017 and 0.00019; ExAC 0.00026.
gnomAD v4.1: 292 of 1,613,314 alleles (0.018%); highest among the groups gnomAD compares: Non-Finnish European, 0.02%; 1 homozygote.

Submissions (11):

Labcorp Genetics (formerly Invitae), Labcorp
Classification: Likely benign for Oligodontia-cancer predisposition syndrome. Last evaluated: 2026-01-31. Review status: criteria provided, single submitter. Criteria: Invitae Variant Classification Sherloc (09022015). Collection method: clinical testing. Allele origin: germline.

Center for Genomic Medicine, Rigshospitalet, Copenhagen University Hospital
Classification: Uncertain significance. Last evaluated: 2025-12-29. Review status: criteria provided, single submitter. Criteria: ACMG Guidelines, 2015. Collection method: clinical testing. Allele origin: germline.

Ambry Genetics
Classification: Uncertain significance for Hereditary cancer-predisposing syndrome. Last evaluated: 2025-10-27. Review status: criteria provided, single submitter. Criteria: Ambry Variant Classification Scheme 2023. Collection method: clinical testing. Allele origin: germline.
Comment: The c.1882C>T variant (also known as p.R628W), located in coding exon 6 of the AXIN2 gene, results from a C to T substitution at nucleotide position 1882. The arginine at codon 628 is replaced by tryptophan, an amino acid with dissimilar properties. This variant was identified in a family with a reported history of oligodontia (Roht L et al. Mol Genet Genomic Med, 2023 Jun;11:e2157). This nucleotide position is poorly conserved in available vertebrate species. This amino acid position is well conserved in available vertebrate species; however, tryptophan is the reference amino acid in other vertebrate species. In addition, as a missense variant, the in silico prediction for this alteration is inconclusive. In silico splice site analysis predicts that this alteration will weaken the native splice donor site; however, direct evidence is insufficient at this time (Ambry internal data). Based on the available evidence, the clinical significance of this variant remains unclear.

Quest Diagnostics Nichols Institute San Juan Capistrano
Classification: Likely benign. Last evaluated: 2025-08-19. Review status: criteria provided, single submitter. Criteria: Quest Diagnostics criteria. Collection method: clinical testing. Allele origin: unknown.

GeneDx
Classification: Uncertain significance. Last evaluated: 2025-08-08. Review status: criteria provided, single submitter. Criteria: GeneDx Variant Classification Process June 2021. Collection method: clinical testing. Allele origin: germline. Affected: yes.
Comment: In silico analysis supports that this missense variant has a deleterious effect on protein structure/function; This variant is associated with the following publications: (PMID: 27149842, 31811167, 35904628, 36860143)

CeGaT Center for Human Genetics Tuebingen
Classification: Likely benign. Last evaluated: 2025-04-01. Review status: criteria provided, single submitter. Criteria: CeGaT Center For Human Genetics Tuebingen Variant Classification Criteria Version 2. Collection method: clinical testing. Allele origin: germline. Affected: yes. Observed: 1 variant allele.
Comment: AXIN2: BP4, BS1

Blueprint Genetics
Classification: Likely benign. Last evaluated: 2024-11-08. Review status: criteria provided, single submitter. Criteria: ACMG Guidelines, 2015. Collection method: clinical testing. Allele origin: germline.

Molecular Pathology, Peter Maccallum Cancer Centre
Classification: Uncertain significance for Oligodontia-cancer predisposition syndrome. Last evaluated: 2024-05-08. Review status: criteria provided, single submitter. Criteria: ACMG Guidelines, 2015. Collection method: clinical testing. Allele origin: germline. Inheritance: Autosomal dominant inheritance.

Sema4
Classification: Likely benign for Hereditary cancer-predisposing syndrome. Last evaluated: 2021-09-14. Review status: criteria provided, single submitter. Criteria: Sema4 Curation Guidelines. Collection method: curation. Allele origin: germline.

Illumina Laboratory Services, Illumina
Classification: Benign for Oligodontia-cancer predisposition syndrome. Last evaluated: 2018-01-12. Review status: criteria provided, single submitter. Criteria: ICSL Variant Classification Criteria 13 December 2019. Collection method: clinical testing. Allele origin: germline.
Comment: This variant was observed in the ICSL laboratory as part of a predisposition screen in an ostensibly healthy population. It had not been previously curated by ICSL or reported in the Human Gene Mutation Database (HGMD: prior to June 1st, 2018), and was therefore a candidate for classification through an automated scoring system. Utilizing variant allele frequency, disease prevalence and penetrance estimates, and inheritance mode, an automated score was calculated to assess if this variant is too frequent to cause the disease. Based on the score and internal cut-off values, a variant classified as benign is not then subjected to further curation. The score for this variant resulted in a classification of benign for this disease.

PreventionGenetics, part of Exact Sciences
Classification: Likely benign for AXIN2-related condition. Last evaluated: 2024-03-26. Review status: no assertion criteria provided. Collection method: clinical testing. Allele origin: germline. Not counted in ClinVar's aggregate classification.
Comment: This variant is classified as likely benign based on ACMG/AMP sequence variant interpretation guidelines (Richards et al. 2015 PMID: 25741868, with internal and published modifications).

Literature cited by the submitters: PubMed 36860143 (cited by Ambry Genetics and Quest Diagnostics Nichols Institute San Juan Capistrano); PubMed 31811167 (cited by Quest Diagnostics Nichols Institute San Juan Capistrano); PubMed 35904628 (cited by Quest Diagnostics Nichols Institute San Juan Capistrano).